The following is an entry in ClinVar:

ClinVar aggregate classification (germline): Uncertain significance (1 of 4 stars; one submission).

Conditions:
Retinoblastoma (RB1). Also called: RETINOBLASTOMA, SOMATIC. Identifiers: Orphanet 790, MedGen C0035335, MeSH D012175, MONDO:0008380, OMIM 180200, HP:0009919. Disease mechanism: loss of function. Inheritance: Both sporadic and heritable forms are tested..

Submission:

Labcorp Genetics (formerly Invitae), Labcorp
Classification: Uncertain significance for Retinoblastoma. Last evaluated: 2023-02-21. Review status: criteria provided, single submitter. Criteria: Invitae Variant Classification Sherloc (09022015). Collection method: clinical testing. Allele origin: germline.
Comment: In summary, the available evidence is currently insufficient to determine the role of this variant in disease. Therefore, it has been classified as a Variant of Uncertain Significance. An algorithm developed to predict the effect of missense changes on protein structure and function (PolyPhen-2) suggests that this variant is likely to be disruptive. This variant is not present in population databases (gnomAD no frequency). This sequence change replaces valine, which is neutral and non-polar, with phenylalanine, which is neutral and non-polar, at codon 128 of the RB1 protein (p.Val128Phe). This variant has not been reported in the literature in individuals affected with RB1-related conditions.

NM_000321.3(RB1):c.382G>T (p.Val128Phe)

Gene: RB1 (RB transcriptional corepressor 1; plus strand). Cytogenetic location: 13q14.2.
Variant type: single nucleotide variant.
Coding change: c.382G>T on transcript NM_000321.3 (MANE Select); coding-DNA position 382, G replaced by T.
Protein change: p.Val128Phe; replaces valine 128 with phenylalanine.
Molecular consequence: missense variant.
Genome position (GRCh38, 1-based): chr13:48,345,081, G>T. VCF-style: chr13-48345081-G-T. GRCh37 (hg19) VCF-style: chr13-48919217-G-T.
Other names: c.382G>T, p.Val128Phe (NM_001407165.1, NM_001407166.1); short protein forms V128F.
Identifiers: ClinVar variation 2727948 (VCV002727948.3), dbSNP rs1952480074, ClinGen allele CA388252592.